The following is an entry in ClinVar:

NM_001012338.3(NTRK3):c.1488C>G (p.Ala496=)

Gene: NTRK3 (neurotrophic receptor tyrosine kinase 3; minus strand). Cytogenetic location: 15q25.3.
Variant type: single nucleotide variant.
Coding change: c.1488C>G on transcript NM_001012338.3 (MANE Select); coding-DNA position 1488, C replaced by G.
Protein change: p.Ala496=; no amino-acid change (alanine 496 retained).
Molecular consequence: synonymous variant.
Genome position (GRCh38, 1-based): chr15:88,032,954, G>C on the plus strand (C>G on the coding strand, the complement: NTRK3 is on the minus strand). VCF-style: chr15-88032954-G-C. GRCh37 (hg19) VCF-style: chr15-88576185-G-C.
Other names: c.1488C>G, p.Ala496= (NM_001007156.3, NM_001320134.1, NM_001375810.1 and 3 more transcripts); c.1464C>G, p.Ala488= (NM_001243101.2, NM_001375812.1, NM_001375814.1); c.1194C>G, p.Ala398= (NM_001320135.2).
Identifiers: ClinVar variation 1251369 (VCV001251369.5), dbSNP rs2229910, ClinGen allele CA7716867.

ClinVar aggregate classification (germline): Benign. Review status: criteria provided, multiple submitters, no conflicts (2 of 4 stars). 3 submissions from 3 submitters: Benign (2). 1 of the submissions does not count toward it. Last evaluated 2018-11-12.

Conditions:
NTRK3-related disorder. Also called: NTRK3-related condition.

Allele frequency attached by ClinVar (database versions not stated): 1000 Genomes Project 0.35004; 1000 Genomes Project 30x 0.35244; TOPMed 0.37142; ESP Exome Variant Server 0.37192.
gnomAD v4.1: 565,126 of 1,611,594 alleles (35%); highest among the groups gnomAD compares: Middle Eastern, 46%; 100,556 homozygotes.

Submissions (3):

GeneDx
Classification: Benign. Last evaluated: 2018-11-12. Review status: criteria provided, single submitter. Criteria: GeneDx Variant Classification Process June 2021. Collection method: clinical testing. Allele origin: germline. Affected: yes.

Breakthrough Genomics
Classification: Benign. Review status: criteria provided, single submitter. Criteria: ACMG Guidelines, 2015. Collection method: not provided. Allele origin: germline. Inheritance: Unknown mechanism. Affected: yes.

PreventionGenetics, part of Exact Sciences
Classification: Benign for NTRK3-related condition. Last evaluated: 2019-10-17. Review status: no assertion criteria provided. Collection method: clinical testing. Allele origin: germline. Not counted in ClinVar's aggregate classification.
Comment: This variant is classified as benign based on ACMG/AMP sequence variant interpretation guidelines (Richards et al. 2015 PMID: 25741868, with internal and published modifications).